The following is an entry in ClinVar:

NM_053025.4(MYLK):c.3715del (p.Gln1239fs)

Gene: MYLK (myosin light chain kinase; minus strand). Cytogenetic location: 3q21.1.
Variant type: Deletion.
Coding change: c.3715del on transcript NM_053025.4 (MANE Select); coding-DNA position 3715, one base deleted (C; older notation c.3715delC).
Protein change: p.Gln1239fs; shifts the reading frame from glutamine 1239.
Molecular consequence: frameshift variant.
Genome position (GRCh38, 1-based): chr3:123,666,335, G deleted on the plus strand (C on the coding strand, the reverse complement: MYLK is on the minus strand). VCF-style (leftmost placement, unchanged base first): chr3-123666334-TG-T. GRCh37 (hg19) VCF-style: chr3-123385181-TG-T.
Other names: c.3187del, p.Gln1063fs (NM_001321309.2); c.3508del, p.Gln1170fs (NM_053026.4, NM_053028.4); c.3715del, p.Gln1239fs (NM_053027.4); short protein forms Q1239fs, Q1063fs, Q1170fs.
Identifiers: ClinVar variation 859691 (VCV000859691.9), dbSNP rs2059732940, ClinGen allele CA916082600.

ClinVar aggregate classification (germline): Pathogenic (1 of 4 stars; one submission).

Conditions:
Aortic aneurysm, familial thoracic 7 (AAT7). Also called: AORTIC DISSECTION, FAMILIAL, WITH OR WITHOUT AORTIC ANEURYSM. Identifiers: MedGen C3151077, MONDO:0013418, OMIM 613780.

Submission:

Labcorp Genetics (formerly Invitae), Labcorp
Classification: Pathogenic for Aortic aneurysm, familial thoracic 7. Last evaluated: 2024-04-10. Review status: criteria provided, single submitter. Criteria: Invitae Variant Classification Sherloc (09022015). Collection method: clinical testing. Allele origin: germline.
Comment: This sequence change creates a premature translational stop signal (p.Gln1239Argfs*23) in the MYLK gene. This variant occurs within the aortic-specific isoform of MYLK. Loss-of-function variants in the aortic-specific isoform of MYLK are known to be pathogenic for thoracic aortic dissections (PMID: 21055718). This variant is not present in population databases (gnomAD no frequency). This variant has not been reported in the literature in individuals affected with MYLK-related conditions. ClinVar contains an entry for this variant (Variation ID: 859691). For these reasons, this variant has been classified as Pathogenic.

Literature cited by the submitters: PubMed 21055718.